The following is an entry in ClinVar:

NM_003823.4(TNFRSF6B):c.313T>C (p.Cys105Arg)

Genes: RTEL1-TNFRSF6B (RTEL1-TNFRSF6B readthrough (NMD candidate); plus strand), TNFRSF6B (TNF receptor superfamily member 6b; plus strand). Cytogenetic location: 20q13.33.
Variant type: single nucleotide variant.
Coding change: c.313T>C on transcript NM_003823.4 (MANE Select); coding-DNA position 313, T replaced by C.
Protein change: p.Cys105Arg; replaces cysteine 105 with arginine.
Molecular consequence: missense variant. On other transcripts: non-coding transcript variant (1).
Genome position (GRCh38, 1-based): chr20:63,697,080, T>C. VCF-style: chr20-63697080-T-C. GRCh37 (hg19) VCF-style: chr20-62328433-T-C.
Other names: short protein forms C105R.
Identifiers: ClinVar variation 1492434 (VCV001492434.6), dbSNP rs1356793980, ClinGen allele CA409711179.

ClinVar aggregate classification (germline): Uncertain significance (1 of 4 stars; one submission).

Allele frequency attached by ClinVar (database versions not stated): gnomAD 0.00001; gnomAD exomes 0.00001.
gnomAD v4.1: 13 of 1,604,538 alleles (0.00081%); highest among the groups gnomAD compares: Admixed American, 0.0017%; no homozygotes.

Submission:

Labcorp Genetics (formerly Invitae), Labcorp
Classification: Uncertain significance. Last evaluated: 2022-03-01. Review status: criteria provided, single submitter. Criteria: Invitae Variant Classification Sherloc (09022015). Collection method: clinical testing. Allele origin: germline.
Comment: In summary, the available evidence is currently insufficient to determine the role of this variant in disease. Therefore, it has been classified as a Variant of Uncertain Significance. Algorithms developed to predict the effect of missense changes on protein structure and function (SIFT, PolyPhen-2, Align-GVGD) all suggest that this variant is likely to be disruptive. This variant has not been reported in the literature in individuals affected with TNFRSF6B-related conditions. This variant is not present in population databases (gnomAD no frequency). This sequence change replaces cysteine, which is neutral and slightly polar, with arginine, which is basic and polar, at codon 105 of the TNFRSF6B protein (p.Cys105Arg).